The following is an entry in ClinVar:

NM_001069.3(TUBB2A):c.1064A>G (p.Asp355Gly)

Gene: TUBB2A (tubulin beta 2A class IIa; minus strand). Cytogenetic location: 6p25.2.
Variant type: single nucleotide variant.
Coding change: c.1064A>G on transcript NM_001069.3 (MANE Select); coding-DNA position 1064, A replaced by G.
Protein change: p.Asp355Gly; replaces aspartic acid 355 with glycine.
Molecular consequence: missense variant.
Genome position (GRCh38, 1-based): chr6:3,154,137, T>C on the plus strand (A>G on the coding strand, the complement: TUBB2A is on the minus strand). VCF-style: chr6-3154137-T-C. GRCh37 (hg19) VCF-style: chr6-3154371-T-C.
Other names: c.809A>G, p.Asp270Gly (NM_001310315.2); short protein forms D270G, D355G.
Identifiers: ClinVar variation 3716793 (VCV003716793.2).

ClinVar aggregate classification (germline): Uncertain significance (1 of 4 stars; one submission).

Submission:

Labcorp Genetics (formerly Invitae), Labcorp
Classification: Uncertain significance. Last evaluated: 2025-01-11. Review status: criteria provided, single submitter. Criteria: Invitae Variant Classification Sherloc (09022015). Collection method: clinical testing. Allele origin: germline.
Comment: This sequence change replaces aspartic acid, which is acidic and polar, with glycine, which is neutral and non-polar, at codon 355 of the TUBB2A protein (p.Asp355Gly). This variant is not present in population databases (gnomAD no frequency). This variant has not been reported in the literature in individuals affected with TUBB2A-related conditions. Invitae Evidence Modeling of protein sequence and biophysical properties (such as structural, functional, and spatial information, amino acid conservation, physicochemical variation, residue mobility, and thermodynamic stability) indicates that this missense variant is expected to disrupt TUBB2A protein function with a positive predictive value of 80%. In summary, the available evidence is currently insufficient to determine the role of this variant in disease. Therefore, it has been classified as a Variant of Uncertain Significance.